The following is an entry in ClinVar:

NM_003640.5(ELP1):c.3349C>T (p.Gln1117Ter)

Gene: ELP1 (elongator acetyltransferase complex subunit 1; minus strand). Cytogenetic location: 9q31.3.
Variant type: single nucleotide variant.
Coding change: c.3349C>T on transcript NM_003640.5 (MANE Select); coding-DNA position 3349, C replaced by T.
Protein change: p.Gln1117Ter; replaces glutamine 1117 with a stop codon.
Molecular consequence: nonsense.
Genome position (GRCh38, 1-based): chr9:108,880,163, G>A on the plus strand (C>T on the coding strand, the complement: ELP1 is on the minus strand). VCF-style: chr9-108880163-G-A. GRCh37 (hg19) VCF-style: chr9-111642443-G-A.
Other names: c.3349C>T (NM_003640.4); c.3007C>T, p.Gln1003Ter (NM_001318360.2); c.2302C>T, p.Gln768Ter (NM_001330749.2); short protein forms Q768*, Q1117*, Q1003*.
Identifiers: ClinVar variation 3596230 (VCV003596230.2).

ClinVar aggregate classification (germline): Likely pathogenic. Review status: criteria provided, multiple submitters, no conflicts (2 of 4 stars). 2 submissions from 2 submitters: Likely pathogenic (2). Last evaluated 2024-06-04.

Conditions:
Familial dysautonomia. Also called: FD; HSAN III. Identifiers: Orphanet 1764, MedGen C0013364, MONDO:0009131, OMIM 223900. Disease mechanism: loss of function.
Medulloblastoma (MDB). Also called: Medulloblastoma, somatic; MEDULLOBLASTOMA PREDISPOSITION SYNDROME. Identifiers: Orphanet 616, MedGen C0025149, MeSH D008527, MONDO:0007959, OMIM 155255, HP:0002885.

Submissions (2):

Natera, Inc.
Classification: Likely pathogenic for Familial dysautonomia. Last evaluated: 2024-06-04. Review status: criteria provided, single submitter. Criteria: Natera Variant Classification Schema (03/2026). Collection method: clinical testing. Allele origin: germline.
Comment: The c.3349C>T variant in ELP1 is a nonsense variant predicted to introduce a stop codon at amino acid 1117. This variant is expected to result in nonsense mediated decay, truncation, or a dysfunctional protein product. This variant is rare in the general population with a frequency below the threshold expected for the associated phenotype(s). Given the available evidence, this variant is classified as Likely Pathogenic.

Fulgent Genetics
Classification: Likely pathogenic for Medulloblastoma; Familial dysautonomia. Last evaluated: 2024-01-02. Review status: criteria provided, single submitter. Criteria: ACMG Guidelines, 2015. Collection method: clinical testing. Allele origin: germline.